The following is an entry in ClinVar:

ClinVar aggregate classification (germline): Likely pathogenic (1 of 4 stars; one submission).

Conditions:
Charlevoix-Saguenay spastic ataxia (SACS). Also called: AUTOSOMAL RECESSIVE SPASTIC ATAXIA OF CHARLEVOIX-SAGUENAY; Spastic ataxia of Charlevoix-Saguenay; SPASTIC ATAXIA 6, AUTOSOMAL RECESSIVE. Identifiers: Orphanet 98, MedGen C1849140, MONDO:0010041, OMIM 270550.

Submission:

Natera, Inc.
Classification: Likely pathogenic for Charlevoix-Saguenay type spastic ataxia. Last evaluated: 2025-12-04. Review status: criteria provided, single submitter. Criteria: Natera Variant Classification Schema (03/2026). Collection method: clinical testing. Allele origin: germline.
Comment: The c.5137_5138insAAAATAATTAAAAAATAAATAAAAAAAAAAA variant in SACS is a frameshift variant predicted to shift the reading frame beginning at codon 1713 and leads to a stop codon 4 codons downstream. This variant is expected to result in nonsense mediated decay, truncation, or a dysfunctional protein product. This variant is rare in the general population with a frequency below the threshold expected for the associated phenotype(s). Given the available evidence, this variant is classified as Likely Pathogenic.

NM_014363.6(SACS):c.5137_5138insAAAATAATTAAAAAATAAATAAAAAAAAAAA (p.Ile1713delinsLysAsnAsnTer)

Gene: SACS (sacsin molecular chaperone; minus strand). Cytogenetic location: 13q12.12.
Variant type: Microsatellite.
Coding change: c.5137_5138insAAAATAATTAAAAAATAAATAAAAAAAAAAA on transcript NM_014363.6 (MANE Select); coding-DNA positions 5137 to 5138, AAAATAATTAAAAAATAAATAAAAAAAAAAA inserted.
Protein change: p.Ile1713delinsLysAsnAsnTer.
Molecular consequence: nonsense.
Genome position: GRCh38: chr13:23,338,739-23,338,740. GRCh37 (hg19): chr13:23,912,878-23,912,879.
Other names: c.4696_4697insAAAATAATTAAAAAATAAATAAAAAAAAAAA, p.Ile1566delinsLysAsnAsnTer (NM_001278055.2); c.5164_5165insAAAATAATTAAAAAATAAATAAAAAAAAAAA, p.Ile1722delinsLysAsnAsnTer (NM_001437336.1).
Identifiers: ClinVar variation 4815699 (VCV004815699.1).